The following is an entry in ClinVar:

ClinVar aggregate classification (germline): Uncertain significance (1 of 4 stars; one submission).

Allele frequency attached by ClinVar (database versions not stated): TOPMed below 0.00001; gnomAD 0.00001; gnomAD exomes 0.00001.
gnomAD v4.1: 11 of 1,612,574 alleles (0.00068%); highest among the groups gnomAD compares: South Asian, 0.0044%; no homozygotes.

Submission:

GeneDx
Classification: Uncertain significance. Last evaluated: 2022-09-14. Review status: criteria provided, single submitter. Criteria: GeneDx Variant Classification Process June 2021. Collection method: clinical testing. Allele origin: germline. Affected: yes.
Comment: Has not been previously published as pathogenic or benign to our knowledge; Not observed at significant frequency in large population cohorts (gnomAD); In silico analysis supports that this missense variant does not alter protein structure/function

NM_021978.4(ST14):c.797C>T (p.Ala266Val)

Gene: ST14 (ST14 transmembrane serine protease matriptase; plus strand). Cytogenetic location: 11q24.3.
Variant type: single nucleotide variant.
Coding change: c.797C>T on transcript NM_021978.4 (MANE Select); coding-DNA position 797, C replaced by T.
Protein change: p.Ala266Val; replaces alanine 266 with valine.
Molecular consequence: missense variant.
Genome position (GRCh38, 1-based): chr11:130,190,616, C>T. VCF-style: chr11-130190616-C-T. GRCh37 (hg19) VCF-style: chr11-130060511-C-T.
Other names: short protein forms A266V.
Identifiers: ClinVar variation 2444567 (VCV002444567.1), dbSNP rs1304126716, ClinGen allele CA383309915.